The following is an entry in ClinVar:

NM_001378778.1(MPDZ):c.4198G>T (p.Glu1400Ter)

Gene: MPDZ (multiple PDZ domain crumbs cell polarity complex component; minus strand). Cytogenetic location: 9p23.
Variant type: single nucleotide variant.
Coding change: c.4198G>T on transcript NM_001378778.1 (MANE Select); coding-DNA position 4198, G replaced by T.
Protein change: p.Glu1400Ter; replaces glutamic acid 1400 with a stop codon.
Molecular consequence: nonsense.
Genome position (GRCh38, 1-based): chr9:13,137,959, C>A on the plus strand (G>T on the coding strand, the complement: MPDZ is on the minus strand). VCF-style: chr9-13137959-C-A. GRCh37 (hg19) VCF-style: chr9-13137958-C-A.
Other names: c.4099G>T, p.Glu1367Ter (NM_001261406.2, NM_001261407.2, NM_001375416.1 and 3 more transcripts); c.4198G>T, p.Glu1400Ter (NM_001330637.2, NM_001375413.1, NM_003829.5); c.3988G>T, p.Glu1330Ter (NM_001375420.1, NM_001375421.1, NM_001375422.1 and 4 more transcripts); c.3790G>T, p.Glu1264Ter (NM_001375427.1); short protein forms E1264*, E1330*, E1367*, E1400*.
Identifiers: ClinVar variation 2068125 (VCV002068125.4), dbSNP rs1490841403, ClinGen allele CA372949037.
Genomic context (GRCh38, chr9:13,137,959, plus strand): 5'-ACAGTTCCATTACCCTTATAAAACAAGAATAAATTCAAAATTTTCCACAAAAACTTACCT[C>A]TAGAAGCTCATCTGCAATTTGCAATCGACCATCTTTTCCTGCAGCTCCATTTGGATCAAT-3'

ClinVar aggregate classification (germline): Pathogenic (1 of 4 stars; one submission).

Allele frequency attached by ClinVar (database versions not stated): gnomAD 0.00001.
gnomAD v4.1: 2 of 1,613,578 alleles (0.00012%); highest among the groups gnomAD compares: African/African-American, 0.0027%; no homozygotes.

Submission:

Labcorp Genetics (formerly Invitae), Labcorp
Classification: Pathogenic. Last evaluated: 2022-09-10. Review status: criteria provided, single submitter. Criteria: Invitae Variant Classification Sherloc (09022015). Collection method: clinical testing. Allele origin: germline.
Comment: This sequence change creates a premature translational stop signal (p.Glu1400*) in the MPDZ gene. It is expected to result in an absent or disrupted protein product. Loss-of-function variants in MPDZ are known to be pathogenic (PMID: 23240096, 28556411). For these reasons, this variant has been classified as Pathogenic. This variant has not been reported in the literature in individuals affected with MPDZ-related conditions. This variant is not present in population databases (gnomAD no frequency).

Literature cited by the submitters: PubMed 23240096; PubMed 28556411.